The following is an entry in ClinVar:

ClinVar aggregate classification (germline): Pathogenic/Likely pathogenic. Review status: criteria provided, multiple submitters, no conflicts (2 of 4 stars). 2 submissions from 2 submitters: Pathogenic (1); Likely pathogenic (1). Last evaluated 2024-02-27.

Conditions:
Familial melanoma. Also called: Hereditary melanoma; Hereditary cutaneous melanoma. Identifiers: Orphanet 618, MedGen C1512419, MONDO:0018961.
Melanoma-pancreatic cancer syndrome. Identifiers: Orphanet 404560, MedGen C1838547, MONDO:0011713, OMIM 606719. Disease mechanism: loss of function.

Submissions (2):

Labcorp Genetics (formerly Invitae), Labcorp
Classification: Pathogenic for Familial melanoma. Last evaluated: 2024-02-27. Review status: criteria provided, single submitter. Criteria: Invitae Variant Classification Sherloc (09022015). Collection method: clinical testing. Allele origin: germline.
Comment: The CDKN2A gene encodes two different proteins, p16INK4a and p14ARF, which are translated from alternative transcripts with different open reading frames. Both transcripts have been analyzed. We report either the variant with the higher classification or default to the CDKN2A (p16INK4a) variant. This report therefore includes the details for the CDKN2A (p16INK4a) variant. This sequence change creates a premature translational stop signal (p.Leu97Glyfs*24) in the CDKN2A (p16INK4a) gene. It is expected to result in an absent or disrupted protein product. Loss-of-function variants in CDKN2A (p16INK4a) are known to be pathogenic (PMID: 15146471, 16905682). This variant is not present in population databases (gnomAD no frequency). This premature translational stop signal has been observed in individual(s) with melanoma and neuroepithelial tumor (PMID: 34308366). This variant is also known as c.328_331dup in CDKN2A (p14ARF) transcript. ClinVar contains an entry for this variant (Variation ID: 995892). For these reasons, this variant has been classified as Pathogenic. The evidence indicates that this variant confers risk of developing CDKN2A (p16INK4a) and CDKN2A (p14ARF)-associated conditions.

Department of Pediatrics, Memorial Sloan Kettering Cancer Center
Classification: Likely pathogenic for Melanoma-pancreatic cancer syndrome. Last evaluated: 2020-12-15. Review status: criteria provided, single submitter. Criteria: ACMG Guidelines, 2015. Collection method: research. Allele origin: germline. Affected: no.

Literature cited by the submitters: PubMed 15146471 (cited by Labcorp Genetics (formerly Invitae), Labcorp); PubMed 16905682 (cited by Labcorp Genetics (formerly Invitae), Labcorp); PubMed 34308366 (cited by Labcorp Genetics (formerly Invitae), Labcorp); PubMed 28873162 (cited by Department of Pediatrics, Memorial Sloan Kettering Cancer Center).

NM_000077.5(CDKN2A):c.285_288dup (p.Leu97fs)

Gene: CDKN2A (cyclin dependent kinase inhibitor 2A; minus strand). Cytogenetic location: 9p21.3.
Variant type: Duplication.
Coding change: c.285_288dup on transcript NM_000077.5; coding-DNA positions 285 to 288, 4 bases duplicated (GGTG; older notation c.285_288dupGGTG).
Protein change: p.Leu97fs; shifts the reading frame from leucine 97.
Molecular consequence: frameshift variant (on NM_000077.6). On other transcripts: 3 prime UTR variant (1).
Genome position (GRCh38, 1-based): chr9:21,971,071-21,971,074, CACC duplicated on the plus strand (GGTG on the coding strand, the reverse complement: CDKN2A is on the minus strand). VCF-style (leftmost placement, unchanged base first): chr9-21971070-G-GCACC. GRCh37 (hg19) VCF-style: chr9-21971069-G-GCACC.
Other names: c.285_288dup, p.Leu97Glyfs (NM_000077.6); c.285_288dup, p.Leu97fs (NM_001195132.2); c.132_135dup, p.Leu46fs (NM_001363763.2); c.328_331dup, p.Ala111fs (NM_058195.4); c.*208_*211dup (NM_058197.5); c.285_288dupGGTG (NM_000077.4); short protein forms A111fs, L46fs, L97fs.
Identifiers: ClinVar variation 995892 (VCV000995892.3), dbSNP rs2131094356, ClinGen allele CA2499219823.